The following is an entry in ClinVar:

ClinVar aggregate classification (germline): Uncertain significance (1 of 4 stars; one submission).

Allele frequency attached by ClinVar (database versions not stated): gnomAD exomes 0.00003 and 0.00004; TOPMed 0.00003; gnomAD 0.00004; ExAC 0.00005.
gnomAD v4.1: 54 of 1,614,076 alleles (0.0033%); highest among the groups gnomAD compares: Middle Eastern, 0.033%; no homozygotes.

Submission:

Labcorp Genetics (formerly Invitae), Labcorp
Classification: Uncertain significance. Last evaluated: 2024-01-22. Review status: criteria provided, single submitter. Criteria: Invitae Variant Classification Sherloc (09022015). Collection method: clinical testing. Allele origin: germline.
Comment: This sequence change replaces threonine, which is neutral and polar, with methionine, which is neutral and non-polar, at codon 4711 of the FAT4 protein (p.Thr4711Met). This variant is present in population databases (rs770459923, gnomAD 0.01%). This variant has not been reported in the literature in individuals affected with FAT4-related conditions. ClinVar contains an entry for this variant (Variation ID: 1409143). Advanced modeling of protein sequence and biophysical properties (such as structural, functional, and spatial information, amino acid conservation, physicochemical variation, residue mobility, and thermodynamic stability) performed at Invitae indicates that this missense variant is not expected to disrupt FAT4 protein function with a negative predictive value of 95%. In summary, the available evidence is currently insufficient to determine the role of this variant in disease. Therefore, it has been classified as a Variant of Uncertain Significance.

NM_001291303.3(FAT4):c.14138C>T (p.Thr4713Met)

Gene: FAT4 (FAT atypical cadherin 4; plus strand). Cytogenetic location: 4q28.1.
Variant type: single nucleotide variant.
Coding change: c.14138C>T on transcript NM_001291303.3 (MANE Select); coding-DNA position 14138, C replaced by T.
Protein change: p.Thr4713Met; replaces threonine 4713 with methionine.
Molecular consequence: missense variant.
Genome position (GRCh38, 1-based): chr4:125,490,954, C>T. VCF-style: chr4-125490954-C-T. GRCh37 (hg19) VCF-style: chr4-126412109-C-T.
Other names: c.14135C>T, p.Thr4712Met (NM_001291285.3); c.14132C>T, p.Thr4711Met (NM_024582.6); short protein forms T4711M, T4712M, T4713M.
Identifiers: ClinVar variation 1409143 (VCV001409143.7), dbSNP rs770459923, ClinGen allele CA3074511.